The following is an entry in ClinVar:

NM_015425.6(POLR1A):c.1486A>G (p.Met496Val)

Gene: POLR1A (RNA polymerase I subunit A; minus strand). Cytogenetic location: 2p11.2.
Variant type: single nucleotide variant.
Coding change: c.1486A>G on transcript NM_015425.6 (MANE Select); coding-DNA position 1486, A replaced by G.
Protein change: p.Met496Val; replaces methionine 496 with valine.
Molecular consequence: missense variant.
Genome position (GRCh38, 1-based): chr2:86,075,155, T>C on the plus strand (A>G on the coding strand, the complement: POLR1A is on the minus strand). VCF-style: chr2-86075155-T-C. GRCh37 (hg19) VCF-style: chr2-86302278-T-C.
Other names: short protein forms M496V.
Identifiers: ClinVar variation 1938468 (VCV001938468.5), dbSNP rs777971983, ClinGen allele CA1746331.

ClinVar aggregate classification (germline): Uncertain significance (1 of 4 stars; one submission).

Allele frequency attached by ClinVar (database versions not stated): ExAC 0.00001; gnomAD 0.00001.
gnomAD v4.1: 13 of 1,613,444 alleles (0.00081%); highest among the groups gnomAD compares: African/African-American, 0.0093%; no homozygotes.

Submission:

Labcorp Genetics (formerly Invitae), Labcorp
Classification: Uncertain significance. Last evaluated: 2022-06-27. Review status: criteria provided, single submitter. Criteria: Invitae Variant Classification Sherloc (09022015). Collection method: clinical testing. Allele origin: germline.
Comment: This sequence change replaces methionine, which is neutral and non-polar, with valine, which is neutral and non-polar, at codon 496 of the POLR1A protein (p.Met496Val). In summary, the available evidence is currently insufficient to determine the role of this variant in disease. Therefore, it has been classified as a Variant of Uncertain Significance. This variant is present in population databases (rs777971983, gnomAD 0.004%). This variant has not been reported in the literature in individuals affected with POLR1A-related conditions. Algorithms developed to predict the effect of missense changes on protein structure and function are either unavailable or do not agree on the potential impact of this missense change (SIFT: "Not Available"; PolyPhen-2: "Probably Damaging"; Align-GVGD: "Not Available").